The following is an entry in ClinVar:

NC_012920.1(MT-CO3):m.9738G>A

Gene: MT-CO3 (mitochondrially encoded cytochrome c oxidase III; plus strand).
Variant type: single nucleotide variant.
Genome position: chrM-9738-G-A.
Identifiers: ClinVar variation 693213 (VCV000693213.1), dbSNP rs1556423714, ClinGen allele CA414803598.

ClinVar aggregate classification (germline): Benign (1 of 4 stars; one submission).

Conditions:
Leigh syndrome (NULS). Also called: Leigh's necrotizing encephalopathy; Leigh's disease; Leigh Syndrome (mtDNA deletion); Leigh Disease; Subacute necrotizing encephalopathy; Necrotizing encephalopathy infantile subacute of Leigh. Identifiers: Orphanet 506, MedGen C2931891, MONDO:0009723, OMIM 256000.

Submission:

Wong Mito Lab, Molecular and Human Genetics, Baylor College of Medicine
Classification: Benign for Leigh syndrome. Last evaluated: 2019-10-17. Review status: criteria provided, single submitter. Criteria: Modified ACMG Guidelines (Unpublished). Collection method: clinical testing. Allele origin: germline.
Comment: The NC_012920.1:m.9738G>A (YP_003024032.1:p.Ala178Thr) variant in MTCO3 gene is interpretated to be a Benign variant based on the modified ACMG guidelines (unpublished). This variant meets the following evidence codes: BS1, BS2, BP4